The following is an entry in ClinVar:

ClinVar aggregate classification (germline): Uncertain significance (1 of 4 stars; one submission).

Conditions:
RASopathy. Also called: Noonan spectrum disorder; rasopathies. Identifiers: Orphanet 536391, MedGen C5555857, MONDO:0021060.

Submission:

Labcorp Genetics (formerly Invitae), Labcorp
Classification: Uncertain significance for RASopathy. Last evaluated: 2022-03-11. Review status: criteria provided, single submitter. Criteria: Invitae Variant Classification Sherloc (09022015). Collection method: clinical testing. Allele origin: germline.
Comment: This sequence change replaces arginine, which is basic and polar, with cysteine, which is neutral and slightly polar, at codon 288 of the SHOC2 protein (p.Arg288Cys). This variant is not present in population databases (gnomAD no frequency). This variant has not been reported in the literature in individuals affected with SHOC2-related conditions. Algorithms developed to predict the effect of missense changes on protein structure and function (SIFT, PolyPhen-2, Align-GVGD) all suggest that this variant is likely to be disruptive. In summary, the available evidence is currently insufficient to determine the role of this variant in disease. Therefore, it has been classified as a Variant of Uncertain Significance.

NM_007373.4(SHOC2):c.862C>T (p.Arg288Cys)

Gene: SHOC2 (SHOC2 leucine rich repeat scaffold protein; plus strand). Cytogenetic location: 10q25.2.
Variant type: single nucleotide variant.
Coding change: c.862C>T on transcript NM_007373.4 (MANE Select); coding-DNA position 862, C replaced by T.
Protein change: p.Arg288Cys; replaces arginine 288 with cysteine.
Molecular consequence: missense variant. On other transcripts: non-coding transcript variant (1).
Genome position (GRCh38, 1-based): chr10:111,000,435, C>T. VCF-style: chr10-111000435-C-T. GRCh37 (hg19) VCF-style: chr10-112760193-C-T.
Other names: c.724C>T, p.Arg242Cys (NM_001269039.3); c.862C>T, p.Arg288Cys (NM_001324336.2, NM_001324337.2); short protein forms R242C, R288C.
Identifiers: ClinVar variation 2108852 (VCV002108852.4), dbSNP rs2493932232, ClinGen allele CA378522586.